The following is an entry in ClinVar:

ClinVar aggregate classification (germline): Conflicting classifications of pathogenicity. Review status: criteria provided, conflicting classifications (1 of 4 stars). 5 submissions from 5 submitters: Uncertain significance (1); Likely benign (3). 1 of the submissions does not count toward it. Last evaluated 2024-07-01.

Conditions:
Microcephaly 4, primary, autosomal recessive. Identifiers: Orphanet 2512, MedGen C1858516, MONDO:0011437, OMIM 604321.

Allele frequency attached by ClinVar (database versions not stated): 1000 Genomes Project 30x 0.00016; 1000 Genomes Project 0.00020; ExAC 0.00069; gnomAD exomes 0.00075; gnomAD 0.00094 and 0.00098; TOPMed 0.00095; ESP Exome Variant Server 0.00117.
gnomAD v4.1: 2,006 of 1,613,986 alleles (0.12%); highest among the groups gnomAD compares: Non-Finnish European, 0.16%; no homozygotes.

Submissions (5):

CeGaT Center for Human Genetics Tuebingen
Classification: Likely benign. Last evaluated: 2024-07-01. Review status: criteria provided, single submitter. Criteria: CeGaT Center For Human Genetics Tuebingen Variant Classification Criteria Version 2. Collection method: clinical testing. Allele origin: germline. Affected: yes. Observed: 2 variant alleles.
Comment: KNL1: BP4, BP7, BS2

GeneDx
Classification: Likely benign. Last evaluated: 2021-04-13. Review status: criteria provided, single submitter. Criteria: GeneDx Variant Classification Process June 2021. Collection method: clinical testing. Allele origin: germline. Affected: yes.

Labcorp Genetics (formerly Invitae), Labcorp
Classification: Likely benign. Last evaluated: 2019-12-31. Review status: criteria provided, single submitter. Criteria: Invitae Variant Classification Sherloc (09022015). Collection method: clinical testing. Allele origin: germline.

Illumina Laboratory Services, Illumina
Classification: Uncertain significance for Microcephaly 4, primary, autosomal recessive. Last evaluated: 2018-01-13. Review status: criteria provided, single submitter. Criteria: ICSL Variant Classification Criteria 13 December 2019. Collection method: clinical testing. Allele origin: germline.

Genetic Services Laboratory, University of Chicago
Classification: Likely benign. Last evaluated: 2022-11-13. Review status: no assertion criteria provided. Collection method: clinical testing. Allele origin: germline. Affected: no. Not counted in ClinVar's aggregate classification.

NM_144508.5(KNL1):c.3999C>T (p.Cys1333=)

Gene: KNL1 (kinetochore scaffold 1; plus strand). Cytogenetic location: 15q15.1.
Variant type: single nucleotide variant.
Coding change: c.3999C>T on transcript NM_144508.5 (MANE Select); coding-DNA position 3999, C replaced by T.
Protein change: p.Cys1333=; no amino-acid change (cysteine 1333 retained).
Molecular consequence: synonymous variant.
Genome position (GRCh38, 1-based): chr15:40,624,263, C>T. VCF-style: chr15-40624263-C-T. GRCh37 (hg19) VCF-style: chr15-40916461-C-T.
Other names: c.4077C>T, p.Cys1359= (NM_170589.5).
Identifiers: ClinVar variation 315859 (VCV000315859.44), dbSNP rs373793762, ClinGen allele CA7483107.
Genomic context (GRCh38, chr15:40,624,263, plus strand): 5'-TAATTTGGAGGGTAGTGCCATGCTCTTATGTGATAAAGATGAGGAAAAAGCCAATTATTG[C>T]CCAGTGCAAAATGATCTTGCTTATGCAAATGATTTTGCCAGTGAATATTACTTGGAATCT-3'
Protein context (NP_653091.3, residues 1323-1343): CDKDEEKANY[Cys1333=]PVQNDLAYAN